The following is an entry in ClinVar:

NM_001267550.2(TTN):c.73092del (p.Pro24365fs)

Genes: TTN-AS1 (TTN antisense RNA 1; plus strand), TTN (titin; minus strand). Cytogenetic location: 2q31.2.
Variant type: Deletion.
Coding change: c.73092del on transcript NM_001267550.2 (MANE Select); coding-DNA position 73092, one base deleted (G; older notation c.73092delG).
Protein change: p.Pro24365fs; shifts the reading frame from proline 24365.
Molecular consequence: frameshift variant.
Genome position (GRCh38, 1-based): chr2:178,573,040, C deleted on the plus strand (G on the coding strand, the reverse complement: TTN is on the minus strand). VCF-style (leftmost placement, unchanged base first): chr2-178573039-GC-G. GRCh37 (hg19) VCF-style: chr2-179437766-GC-G.
Other names: c.68169del, p.Pro22724fs (NM_001256850.1); c.45897del, p.Pro15300fs (NM_003319.4); c.65388del, p.Pro21797fs (NM_133378.4); c.46272del, p.Pro15425fs (NM_133432.3); c.46473del, p.Pro15492fs (NM_133437.4); short protein forms P15492fs, P15300fs, P22724fs, P24365fs, P15425fs, P21797fs.
Identifiers: ClinVar variation 4786121 (VCV004786121.1).

ClinVar aggregate classification (germline): Likely pathogenic (1 of 4 stars; one submission).

Conditions:
Autosomal recessive limb-girdle muscular dystrophy type 2J (LGMDR10). Also called: Limb-girdle muscular dystrophy, type 2J; MUSCULAR DYSTROPHY, LIMB-GIRDLE, AUTOSOMAL RECESSIVE 10. Identifiers: Orphanet 140922, MedGen C1837342, MONDO:0012127, OMIM 608807.
Dilated cardiomyopathy 1G (CMD1G). Identifiers: Orphanet 154, MedGen C1858763, MONDO:0011400, OMIM 604145.

Submission:

Labcorp Genetics (formerly Invitae), Labcorp
Classification: Likely pathogenic for Dilated cardiomyopathy 1G; Autosomal recessive limb-girdle muscular dystrophy type 2J. Last evaluated: 2025-09-13. Review status: criteria provided, single submitter. Criteria: Invitae Variant Classification Sherloc (09022015). Collection method: clinical testing. Allele origin: germline.
Comment: This sequence change creates a premature translational stop signal (p.Pro24365Glnfs*38) in the TTN gene. While this is not anticipated to result in nonsense mediated decay, it is expected to create a truncated TTN protein. This variant is not present in population databases (gnomAD no frequency). This variant has not been reported in the literature in individuals affected with TTN-related conditions. This variant is located in the A band of TTN (PMID: 25589632). Truncating variants in this region are significantly overrepresented in patients affected with dilated cardiomyopathy (PMID: 25589632). Truncating variants in this region have also been reported in individuals affected with autosomal recessive centronuclear myopathy (PMID: 23975875). In summary, the currently available evidence indicates that the variant is pathogenic, but additional data are needed to prove that conclusively. Therefore, this variant has been classified as Likely Pathogenic.

Literature cited by the submitters: PubMed 25589632; PubMed 23975875.